The following is an entry in ClinVar:

NM_020765.3(UBR4):c.10131G>A (p.Lys3377=)

Gene: UBR4 (ubiquitin protein ligase E3 component n-recognin 4; minus strand). Cytogenetic location: 1p36.13.
Variant type: single nucleotide variant.
Coding change: c.10131G>A on transcript NM_020765.3 (MANE Select); coding-DNA position 10131, G replaced by A.
Protein change: p.Lys3377=; no amino-acid change (lysine 3377 retained).
Molecular consequence: synonymous variant.
Genome position (GRCh38, 1-based): chr1:19,121,199, C>T on the plus strand (G>A on the coding strand, the complement: UBR4 is on the minus strand). VCF-style: chr1-19121199-C-T. GRCh37 (hg19) VCF-style: chr1-19447693-C-T.
Identifiers: ClinVar variation 774788 (VCV000774788.30), dbSNP rs34871324, ClinGen allele CA649285.

ClinVar aggregate classification (germline): Benign. Review status: criteria provided, multiple submitters, no conflicts (2 of 4 stars). 4 submissions from 4 submitters: Benign (3). 1 of the submissions does not count toward it. Last evaluated 2023-02-01.

Conditions:
UBR4-related disorder. Also called: UBR4-related condition.

Allele frequency attached by ClinVar (database versions not stated): 1000 Genomes Project 0.00419; 1000 Genomes Project 30x 0.00422; ExAC 0.00536; TOPMed 0.00539; ESP Exome Variant Server 0.00546; gnomAD 0.00551 and 0.00559; gnomAD exomes 0.00556 and 0.00799.
gnomAD v4.1: 12,476 of 1,613,870 alleles (0.77%); highest among the groups gnomAD compares: Non-Finnish European, 0.91%; 67 homozygotes.

Submissions (4):

CeGaT Center for Human Genetics Tuebingen
Classification: Benign. Last evaluated: 2023-02-01. Review status: criteria provided, single submitter. Criteria: CeGaT Center For Human Genetics Tuebingen Variant Classification Criteria Version 2. Collection method: clinical testing. Allele origin: germline. Affected: yes. Observed: 4 variant alleles.
Comment: UBR4: BP4, BP7, BS1, BS2

Labcorp Genetics (formerly Invitae), Labcorp
Classification: Benign. Last evaluated: 2019-12-31. Review status: criteria provided, single submitter. Criteria: Invitae Variant Classification Sherloc (09022015). Collection method: clinical testing. Allele origin: germline.

Breakthrough Genomics
Classification: Benign. Review status: criteria provided, single submitter. Criteria: ACMG Guidelines, 2015. Collection method: not provided. Allele origin: germline. Inheritance: Unknown mechanism. Affected: yes.

PreventionGenetics, part of Exact Sciences
Classification: Benign for UBR4-related condition. Last evaluated: 2019-02-28. Review status: no assertion criteria provided. Collection method: clinical testing. Allele origin: germline. Not counted in ClinVar's aggregate classification.
Comment: This variant is classified as benign based on ACMG/AMP sequence variant interpretation guidelines (Richards et al. 2015 PMID: 25741868, with internal and published modifications).